The following is an entry in ClinVar:

ClinVar aggregate classification (germline): Likely benign (1 of 4 stars; one submission).

Submission:

CeGaT Center for Human Genetics Tuebingen
Classification: Likely benign. Last evaluated: 2023-02-01. Review status: criteria provided, single submitter. Criteria: CeGaT Center For Human Genetics Tuebingen Variant Classification Criteria Version 2. Collection method: clinical testing. Allele origin: germline. Affected: yes. Observed: 1 variant allele.
Comment: TMEM35A: PM2:Supporting, BP4, BP7

NM_021637.3(TMEM35A):c.216A>G (p.Glu72=)

Gene: TMEM35A (transmembrane protein 35A; plus strand). Cytogenetic location: Xq22.1.
Variant type: single nucleotide variant.
Coding change: c.216A>G on transcript NM_021637.3 (MANE Select); coding-DNA position 216, A replaced by G.
Protein change: p.Glu72=; no amino-acid change (glutamic acid 72 retained).
Molecular consequence: synonymous variant.
Genome position (GRCh38, 1-based): chrX:101,094,668, A>G. VCF-style: chrX-101094668-A-G. GRCh37 (hg19) VCF-style: chrX-100349657-A-G.
Identifiers: ClinVar variation 2661050 (VCV002661050.24), dbSNP rs2148111989, ClinGen allele CA517750267.